The following is an entry in ClinVar:

NM_006208.3(ENPP1):c.301T>C (p.Cys101Arg)

Gene: ENPP1 (ectonucleotide pyrophosphatase/phosphodiesterase 1; plus strand). Cytogenetic location: 6q23.2.
Variant type: single nucleotide variant.
Coding change: c.301T>C on transcript NM_006208.3 (MANE Select); coding-DNA position 301, T replaced by C.
Protein change: p.Cys101Arg; replaces cysteine 101 with arginine.
Molecular consequence: missense variant.
Genome position (GRCh38, 1-based): chr6:131,847,836, T>C. VCF-style: chr6-131847836-T-C. GRCh37 (hg19) VCF-style: chr6-132168976-T-C.
Other names: short protein forms C101R.
Identifiers: ClinVar variation 3027245 (VCV003027245.22), dbSNP rs2483456193, ClinGen allele CA365657863.

ClinVar aggregate classification (germline): Uncertain significance (1 of 4 stars; one submission).

Submission:

CeGaT Center for Human Genetics Tuebingen
Classification: Uncertain significance. Last evaluated: 2024-02-01. Review status: criteria provided, single submitter. Criteria: CeGaT Center For Human Genetics Tuebingen Variant Classification Criteria Version 2. Collection method: clinical testing. Allele origin: germline. Affected: yes. Observed: 1 variant allele.
Comment: ENPP1: PM2